The following is an entry in ClinVar:

NM_007194.4(CHEK2):c.1315C>A (p.Gln439Lys)

Gene: CHEK2 (checkpoint kinase 2; minus strand). Cytogenetic location: 22q12.1.
Variant type: single nucleotide variant.
Coding change: c.1315C>A on transcript NM_007194.4 (MANE Select); coding-DNA position 1315, C replaced by A.
Protein change: p.Gln439Lys; replaces glutamine 439 with lysine.
Molecular consequence: missense variant.
Genome position (GRCh38, 1-based): chr22:28,695,187, G>T on the plus strand (C>A on the coding strand, the complement: CHEK2 is on the minus strand). VCF-style: chr22-28695187-G-T. GRCh37 (hg19) VCF-style: chr22-29091175-G-T.
Other names: c.1444C>A, p.Gln482Lys (NM_001005735.3); c.652C>A, p.Gln218Lys (NM_001257387.3); c.1114C>A, p.Gln372Lys (NM_001349956.3); c.1228C>A, p.Gln410Lys (NM_145862.3); short protein forms Q410K, Q218K, Q439K, Q372K, Q482K.
Identifiers: ClinVar variation 853221 (VCV000853221.12), dbSNP rs778989252, ClinGen allele CA411095986.

ClinVar aggregate classification (germline): Uncertain significance. Review status: criteria provided, multiple submitters, no conflicts (2 of 4 stars). 2 submissions from 2 submitters: Uncertain significance (2). Last evaluated 2022-12-14.

Conditions:
Hereditary cancer-predisposing syndrome. Also called: Neoplastic Syndromes, Hereditary; Hereditary Cancer Syndrome; Tumor predisposition; Hereditary neoplastic syndrome. Identifiers: Orphanet 140162, MedGen C0027672, MeSH D009386, MONDO:0015356.
Familial cancer of breast. Also called: Hereditary breast cancer; hereditary breast carcinoma; BREAST CANCER, FAMILIAL. Identifiers: Orphanet 227535, MedGen C0346153, MONDO:0016419, OMIM 114480. Disease mechanism: loss of function.

Submissions (2):

Ambry Genetics
Classification: Uncertain significance for Hereditary cancer-predisposing syndrome. Last evaluated: 2022-12-14. Review status: criteria provided, single submitter. Criteria: Ambry Variant Classification Scheme 2023. Collection method: clinical testing. Allele origin: germline.
Comment: The p.Q439K variant (also known as c.1315C>A), located in coding exon 11 of the CHEK2 gene, results from a C to A substitution at nucleotide position 1315. The glutamine at codon 439 is replaced by lysine, an amino acid with similar properties. This amino acid position is conserved. In addition, this alteration is predicted to be deleterious by in silico analysis. Since supporting evidence is limited at this time, the clinical significance of this alteration remains unclear.

Labcorp Genetics (formerly Invitae), Labcorp
Classification: Uncertain significance for Familial cancer of breast. Last evaluated: 2020-03-07. Review status: criteria provided, single submitter. Criteria: Invitae Variant Classification Sherloc (09022015). Collection method: clinical testing. Allele origin: germline.
Comment: In summary, the available evidence is currently insufficient to determine the role of this variant in disease. Therefore, it has been classified as a Variant of Uncertain Significance. Algorithms developed to predict the effect of missense changes on protein structure and function are either unavailable or do not agree on the potential impact of this missense change (SIFT: "Deleterious"; PolyPhen-2: "Probably Damaging"; Align-GVGD: "Class C0"). This variant has not been reported in the literature in individuals with CHEK2-related conditions. This variant is not present in population databases (ExAC no frequency). This sequence change replaces glutamine with lysine at codon 439 of the CHEK2 protein (p.Gln439Lys). The glutamine residue is highly conserved and there is a small physicochemical difference between glutamine and lysine.